The following is an entry in ClinVar:

ClinVar aggregate classification (germline): Likely pathogenic (1 of 4 stars; one submission).

Conditions:
Cataract 1 multiple types. Also called: CATARACT, DUFFY-LINKED; CATARACT 1, NUCLEAR PROGRESSIVE; CATARACT 1 WITH MICROCORNEA; CATARACT 1, POSTERIOR SUBCAPSULAR, WITH MICROCORNEA; CATARACT 1, STELLATE NUCLEAR, WITH MICROCORNEA; CATARACT 1, MULTIPLE TYPES, WITH OR WITHOUT MICROCORNEA. Identifiers: Orphanet 1377, MedGen C1861828, MONDO:0007285, OMIM 116200.

Submission:

Labcorp Genetics (formerly Invitae), Labcorp
Classification: Likely pathogenic for Cataract 1 multiple types. Last evaluated: 2025-02-16. Review status: criteria provided, single submitter. Criteria: Invitae Variant Classification Sherloc (09022015). Collection method: clinical testing. Allele origin: germline.
Comment: This sequence change replaces glycine, which is neutral and non-polar, with aspartic acid, which is acidic and polar, at codon 60 of the GJA8 protein (p.Gly60Asp). This variant is not present in population databases (gnomAD no frequency). This missense change has been observed in individual(s) with autosomal dominant congenital cataract (PMID: 37367076). Invitae Evidence Modeling of protein sequence and biophysical properties (such as structural, functional, and spatial information, amino acid conservation, physicochemical variation, residue mobility, and thermodynamic stability) indicates that this missense variant is expected to disrupt GJA8 protein function with a positive predictive value of 95%. This variant disrupts the p.Gly60 amino acid residue in GJA8. Other variant(s) that disrupt this residue have been determined to be pathogenic (PMID: 32384692). This suggests that this residue is clinically significant, and that variants that disrupt this residue are likely to be disease-causing. In summary, the currently available evidence indicates that the variant is pathogenic, but additional data are needed to prove that conclusively. Therefore, this variant has been classified as Likely Pathogenic.

Literature cited by the submitters: PubMed 37367076; PubMed 32384692.

NM_005267.5(GJA8):c.179G>A (p.Gly60Asp)

Gene: GJA8 (gap junction protein alpha 8; plus strand). Cytogenetic location: 1q21.2.
Variant type: single nucleotide variant.
Coding change: c.179G>A on transcript NM_005267.5 (MANE Select); coding-DNA position 179, G replaced by A.
Protein change: p.Gly60Asp; replaces glycine 60 with aspartic acid.
Molecular consequence: missense variant.
Genome position (GRCh38, 1-based): chr1:147,908,134, G>A. VCF-style: chr1-147908134-G-A. GRCh37 (hg19) VCF-style: chr1-147380261-G-A.
Other names: short protein forms G60D.
Identifiers: ClinVar variation 4799940 (VCV004799940.1).